The following is an entry in ClinVar:

ClinVar aggregate classification (germline): Pathogenic (1 of 4 stars; one submission).

Allele frequency attached by ClinVar (database versions not stated): ExAC 0.00001.
gnomAD v4.1: 9 of 1,612,844 alleles (0.00056%); highest among the groups gnomAD compares: Admixed American, 0.005%; no homozygotes.

Submission:

Labcorp Genetics (formerly Invitae), Labcorp
Classification: Pathogenic. Last evaluated: 2026-01-19. Review status: criteria provided, single submitter. Criteria: Invitae Variant Classification Sherloc (09022015). Collection method: clinical testing. Allele origin: germline.
Comment: This sequence change creates a premature translational stop signal (p.Glu167*) in the GNAT1 gene. It is expected to result in an absent or disrupted protein product. Loss-of-function variants in GNAT1 are known to be pathogenic (PMID: 11095744, 31736247). The frequency data for this variant in the population databases is considered unreliable, as metrics indicate poor data quality at this position in the gnomAD database. This variant has not been reported in the literature in individuals affected with GNAT1-related conditions. ClinVar contains an entry for this variant (Variation ID: 1379751). Algorithms developed to predict the effect of sequence changes on RNA splicing suggest that this variant may create or strengthen a splice site. For these reasons, this variant has been classified as Pathogenic.

Literature cited by the submitters: PubMed 11095744; PubMed 31736247.

NM_144499.3(GNAT1):c.499G>T (p.Glu167Ter)

Gene: GNAT1 (G protein subunit alpha transducin 1; plus strand). Cytogenetic location: 3p21.31.
Variant type: single nucleotide variant.
Coding change: c.499G>T on transcript NM_144499.3 (MANE Select); coding-DNA position 499, G replaced by T.
Protein change: p.Glu167Ter; replaces glutamic acid 167 with a stop codon.
Molecular consequence: nonsense.
Genome position (GRCh38, 1-based): chr3:50,193,802, G>T. VCF-style: chr3-50193802-G-T. GRCh37 (hg19) VCF-style: chr3-50231235-G-T.
Other names: c.499G>T, p.Glu167Ter (NM_000172.4); short protein forms E167*.
Identifiers: ClinVar variation 1379751 (VCV001379751.6), dbSNP rs769750483, ClinGen allele CA2412619.